The following is an entry in ClinVar:

NM_001035.3(RYR2):c.214T>C (p.Ser72Pro)

Gene: RYR2 (ryanodine receptor 2; plus strand). Cytogenetic location: 1q43.
Variant type: single nucleotide variant.
Coding change: c.214T>C on transcript NM_001035.3 (MANE Select); coding-DNA position 214, T replaced by C.
Protein change: p.Ser72Pro; replaces serine 72 with proline.
Molecular consequence: missense variant.
Genome position (GRCh38, 1-based): chr1:237,330,923, T>C. VCF-style: chr1-237330923-T-C. GRCh37 (hg19) VCF-style: chr1-237494223-T-C.
Other names: short protein forms S72P.
Identifiers: ClinVar variation 4757179 (VCV004757179.1).

ClinVar aggregate classification (germline): Uncertain significance (1 of 4 stars; one submission).

Conditions:
Cardiomyopathy (CMYO). Also called: Cardiomyopathies. Identifiers: Orphanet 167848, MedGen C0878544, MONDO:0004994, HP:0001638. Inheritance: Various modes of inheritance.

Submission:

Color Diagnostics, LLC DBA Color Health
Classification: Uncertain significance for Cardiomyopathy. Last evaluated: 2025-06-17. Review status: criteria provided, single submitter. Criteria: ACMG Guidelines, 2015. Collection method: clinical testing. Allele origin: germline.
Comment: This missense variant replaces serine with proline at codon 72 of the RYR2 protein. Computational prediction suggests that this variant may have deleterious impact on protein structure and function. To our knowledge, functional studies have not been reported for this variant. This variant has not been reported in individuals affected with RYR2-related disorders in the literature. This variant has not been identified in the general population by the Genome Aggregation Database (gnomAD). The available evidence is insufficient to determine the role of this variant in disease conclusively. Therefore, this variant is classified as a Variant of Uncertain Significance.